The following is an entry in ClinVar:

NC_000007.13:g.(?_73461985)_(73483030_?)del

Gene: ELN (elastin; plus strand). Cytogenetic location: 7q11.23.
Variant type: Deletion.
Identifiers: ClinVar variation 1459864 (VCV001459864.4).

ClinVar aggregate classification (germline): Pathogenic (1 of 4 stars; one submission).

Conditions:
Supravalvar aortic stenosis (SVAS). Also called: Supravalvar aortic stenosis, Eisenberg type. Identifiers: Orphanet 3193, MedGen C0003499, MONDO:0008504, OMIM 185500, HP:0004381.

Submission:

Labcorp Genetics (formerly Invitae), Labcorp
Classification: Pathogenic for Supravalvar aortic stenosis. Last evaluated: 2021-06-13. Review status: criteria provided, single submitter. Criteria: Invitae Variant Classification Sherloc (09022015). Collection method: clinical testing. Allele origin: germline.
Comment: This variant is a gross deletion of the genomic region encompassing exon(s) 13-34 of the ELN gene. The 5' boundary is likely confined to intron 12. The 3' end of this event is unknown as it extends through the termination codon beyond the assayed region for this gene and may encompass additional genes. While this deletion is not anticipated to lead to nonsense mediated decay, it is expected to alter mRNA translation or result in a truncated protein product. For these reasons, this variant has been classified as Pathogenic. The region of the ELN gene that includes exon(s) 34 has been determined to be clinically significant (PMID: 30228022). Therefore, deletions that encompass that region are likely to disrupt protein function and cause disease. This variant has been observed in individual(s) with supravalvular aortic stenosis (Invitae).

Literature cited by the submitters: PubMed 30228022.